The following is an entry in ClinVar:

NM_001994.3(F13B):c.1803_1806delinsAAC (p.Asp601fs)

Gene: F13B (coagulation factor XIII B chain; minus strand). Cytogenetic location: 1q31.3.
Variant type: Indel.
Coding change: c.1803_1806delinsAAC on transcript NM_001994.3 (MANE Select); coding-DNA positions 1803 to 1806, CAAT replaced by AAC.
Protein change: p.Asp601fs; shifts the reading frame from aspartic acid 601.
Molecular consequence: frameshift variant.
Genome position (GRCh38, 1-based): chr1:197,040,668-197,040,671, ATTG replaced by GTT on the plus strand (CAAT replaced by AAC on the coding strand, the reverse complement: F13B is on the minus strand). VCF-style: chr1-197040668-ATTG-GTT. GRCh37 (hg19) VCF-style: chr1-197009798-ATTG-GTT.
Other names: c.1803_1806delCAATinsAAC, p.Asp601Glufs (NM_001994.2); short protein forms D601fs.
Identifiers: ClinVar variation 2573483 (VCV002573483.1), dbSNP rs2527054816, ClinGen allele CA2580612901.

ClinVar aggregate classification (germline): Uncertain significance (1 of 4 stars; one submission).

Submission:

Women's Health and Genetics/Laboratory Corporation of America, LabCorp
Classification: Uncertain significance. Last evaluated: 2023-06-02. Review status: criteria provided, single submitter. Criteria: LabCorp Variant Classification Summary - May 2015. Collection method: clinical testing. Allele origin: germline.
Comment: Variant summary: F13B c.1803_1806delinsAAC (p.Asp601GlufsX41) results in a premature termination codon, predicted to cause a truncation of the encoded protein or absence of the protein. The new termination codon falls in the region that is predicted to not undergo nonsense-mediated decay in the penultimate exon. The variant allele was found at a frequency of 2.8e-05 in 250710 control chromosomes (gnomAD). To our knowledge, no occurrence of c.1803_1806delinsAAC in individuals affected with Factor XIII, B Subunit, Deficiency Of and no experimental evidence demonstrating its impact on protein function have been reported. No clinical diagnostic laboratories have submitted clinical-significance assessments for this variant to ClinVar after 2014. Based on the evidence outlined above, the variant was classified as uncertain significance.